The following is an entry in ClinVar:

NM_001290060.2(SEMA3B):c.2187C>G (p.Asn729Lys)

Gene: SEMA3B (semaphorin 3B; plus strand). Cytogenetic location: 3p21.31.
Variant type: single nucleotide variant.
Coding change: c.2187C>G on transcript NM_001290060.2 (MANE Select); coding-DNA position 2187, C replaced by G.
Protein change: p.Asn729Lys; replaces asparagine 729 with lysine.
Molecular consequence: missense variant. On other transcripts: non-coding transcript variant (1).
Genome position (GRCh38, 1-based): chr3:50,276,643, C>G. VCF-style: chr3-50276643-C-G. GRCh37 (hg19) VCF-style: chr3-50314074-C-G.
Other names: c.2184C>G, p.Asn728Lys (NM_001005914.3, NM_001435957.1, NM_001435958.1); c.2202C>G, p.Asn734Lys (NM_001290061.1); c.1158C>G, p.Asn386Lys (NM_001290062.2, NM_001290063.2); c.2187C>G, p.Asn729Lys (NM_001435956.1, NM_004636.4); short protein forms N386K, N728K, N734K, N729K.
Identifiers: ClinVar variation 4985895 (VCV004985895.1).

ClinVar aggregate classification (germline): Uncertain significance (1 of 4 stars; one submission).

Conditions:
SEMA3B-related disorder. Also called: SEMA3B-related condition.

gnomAD v4.1: 3 of 1,595,008 alleles (0.00019%); highest among the groups gnomAD compares: Admixed American, 0.0017%; no homozygotes.

Submission:

PreventionGenetics, part of Exact Sciences
Classification: Uncertain significance for SEMA3B-related condition. Last evaluated: 2025-12-10. Review status: criteria provided, single submitter. Criteria: ACMG Guidelines, 2015. Collection method: clinical testing. Allele origin: germline.
Comment: The SEMA3B c.2202C>G variant is predicted to result in the amino acid substitution p.Asn734Lys. To our knowledge, this variant has not been reported in the literature. This variant is reported in 0.0031% of alleles in individuals of Latino descent in gnomAD. At this time, the clinical significance of this variant is uncertain due to the absence of conclusive functional and genetic evidence.